The following is an entry in ClinVar:

ClinVar aggregate classification (germline): Uncertain significance (1 of 4 stars; one submission).

Conditions:
Developmental and epileptic encephalopathy 94 (DEE94). Also called: Epileptic encephalopathy, childhood-onset; CHD2-Related Neurodevelopmental Disorders. Identifiers: Orphanet 1942, Orphanet 2382, MedGen C3809278, MONDO:0014150, OMIM 615369.

Submission:

3billion
Classification: Uncertain significance for Developmental and epileptic encephalopathy 94. Last evaluated: 2025-09-08. Review status: criteria provided, single submitter. Criteria: ACMG Guidelines, 2015. Collection method: clinical testing. Allele origin: germline. Affected: yes.
Comment: The variant is not observed in the gnomAD v4.1.0 dataset. Predicted Consequence/Location: Missense variant In silico tool predictions suggest damaging effect of the variant on gene or gene product [REVEL: 0.70 (>=0.6, sensitivity 0.68 and specificity 0.92); 3Cnet: 0.78 (> 0.75, sensitivity 0.96 and precision 0.92)]. Therefore, this variant is classified as VUS according to the recommendation of ACMG/AMP guideline.

NM_001271.4(CHD2):c.2911A>T (p.Ile971Phe)

Genes: CHD2 (chromodomain helicase DNA binding protein 2; plus strand), LOC126862230 (P300/CBP strongly-dependent group 1 enhancer GRCh37_chr15:93523977-93525176; plus strand). Cytogenetic location: 15q26.1.
Variant type: single nucleotide variant.
Coding change: c.2911A>T on transcript NM_001271.4 (MANE Select); coding-DNA position 2911, A replaced by T.
Protein change: p.Ile971Phe; replaces isoleucine 971 with phenylalanine.
Molecular consequence: missense variant.
Genome position (GRCh38, 1-based): chr15:92,980,849, A>T. VCF-style: chr15-92980849-A-T. GRCh37 (hg19) VCF-style: chr15-93524079-A-T.
Other names: short protein forms I971F.
Identifiers: ClinVar variation 4853970 (VCV004853970.1).
Genomic context (GRCh38, chr15:92,980,849, plus strand): 5'-CTAACAACTACATTTTACTTCCACAGCTCAAATCCTTTTAATAAAGAAGAGCTGACAGCT[A>T]TTTTGAAATTTGGAGCAGAGGATCTCTTCAAAGAACTGGAAGGGGAGGAATCAGAACCTC-3'
Protein context (NP_001262.3, residues 961-981): NPFNKEELTA[Ile971Phe]LKFGAEDLFK